The following is an entry in ClinVar:

NM_000179.3(MSH6):c.3237T>G (p.Ile1079Met)

Gene: MSH6 (mutS homolog 6; plus strand). Cytogenetic location: 2p16.3.
Variant type: single nucleotide variant.
Coding change: c.3237T>G on transcript NM_000179.3 (MANE Select); coding-DNA position 3237, T replaced by G.
Protein change: p.Ile1079Met; replaces isoleucine 1079 with methionine.
Molecular consequence: missense variant. On other transcripts: non-coding transcript variant (5), intron variant (1).
Genome position (GRCh38, 1-based): chr2:47,803,484, T>G. VCF-style: chr2-47803484-T-G. GRCh37 (hg19) VCF-style: chr2-48030623-T-G.
Other names: c.2847T>G, p.Ile949Met (NM_001281492.2); c.2331T>G, p.Ile777Met (NM_001281493.2, NM_001281494.2, NM_001406811.1 and 6 more transcripts); c.3333T>G, p.Ile1111Met (NM_001406795.1, NM_001406802.1); c.3237T>G, p.Ile1079Met (NM_001406796.1, NM_001406800.1, NM_001406808.1 and 1 more transcripts); c.2940T>G, p.Ile980Met (NM_001406797.1, NM_001406801.1, NM_001406805.1 and 10 more transcripts); c.2712T>G, p.Ile904Met (NM_001406799.1, NM_001406806.1, NM_001406807.1); c.2373T>G, p.Ile791Met (NM_001406803.1); c.3159T>G, p.Ile1053Met (NM_001406804.1); and 7 more; short protein forms I1079M, I394M, I949M, I6M, I791M, I1053M, I1081M, I1111M.
Identifiers: ClinVar variation 3875083 (VCV003875083.1).

ClinVar aggregate classification (germline): Uncertain significance (1 of 4 stars; one submission).

Conditions:
Hereditary cancer-predisposing syndrome. Also called: Tumor predisposition; Neoplastic Syndromes, Hereditary; Hereditary Cancer Syndrome; Hereditary neoplastic syndrome. Identifiers: Orphanet 140162, MedGen C0027672, MeSH D009386, MONDO:0015356.

Submission:

Ambry Genetics
Classification: Uncertain significance for Hereditary cancer-predisposing syndrome. Last evaluated: 2025-01-25. Review status: criteria provided, single submitter. Criteria: Ambry Variant Classification Scheme 2023. Collection method: clinical testing. Allele origin: germline.
Comment: The p.I1079M variant (also known as c.3237T>G), located in coding exon 5 of the MSH6 gene, results from a T to G substitution at nucleotide position 3237. The isoleucine at codon 1079 is replaced by methionine, an amino acid with highly similar properties. This amino acid position is conserved. In addition, the in silico prediction for this alteration is inconclusive. Based on the available evidence, the clinical significance of this variant remains unclear.